The following is an entry in ClinVar:

ClinVar aggregate classification (germline): Uncertain significance (1 of 4 stars; one submission).

Allele frequency attached by ClinVar (database versions not stated): gnomAD exomes 0.00001; gnomAD 0.00002; TOPMed 0.00003; 1000 Genomes Project 30x 0.00031.
gnomAD v4.1: 14 of 1,600,260 alleles (0.00087%); highest among the groups gnomAD compares: Middle Eastern, 0.018%; no homozygotes.

Submission:

Labcorp Genetics (formerly Invitae), Labcorp
Classification: Uncertain significance. Last evaluated: 2022-07-03. Review status: criteria provided, single submitter. Criteria: Invitae Variant Classification Sherloc (09022015). Collection method: clinical testing. Allele origin: germline.
Comment: In summary, the available evidence is currently insufficient to determine the role of this variant in disease. Therefore, it has been classified as a Variant of Uncertain Significance. Algorithms developed to predict the effect of missense changes on protein structure and function output the following: SIFT: "Tolerated"; PolyPhen-2: "Benign"; Align-GVGD: "Class C0". The glutamine amino acid residue is found in multiple mammalian species, which suggests that this missense change does not adversely affect protein function. This variant has not been reported in the literature in individuals affected with TNK2-related conditions. The frequency data for this variant in the population databases is considered unreliable, as metrics indicate poor data quality at this position in the gnomAD database. This sequence change replaces arginine, which is basic and polar, with glutamine, which is neutral and polar, at codon 1020 of the TNK2 protein (p.Arg1020Gln).

NM_001382273.1(TNK2):c.2870G>A (p.Arg957Gln)

Gene: TNK2 (tyrosine kinase non receptor 2; minus strand). Cytogenetic location: 3q29.
Variant type: single nucleotide variant.
Coding change: c.2870G>A on transcript NM_001382273.1 (MANE Select); coding-DNA position 2870, G replaced by A.
Protein change: p.Arg957Gln; replaces arginine 957 with glutamine.
Molecular consequence: missense variant. On other transcripts: non-coding transcript variant (15).
Genome position (GRCh38, 1-based): chr3:195,867,428, C>T on the plus strand (G>A on the coding strand, the complement: TNK2 is on the minus strand). VCF-style: chr3-195867428-C-T. GRCh37 (hg19) VCF-style: chr3-195594299-C-T.
Other names: c.2942G>A, p.Arg981Gln (NM_001010938.2, NM_001382272.1); c.2921G>A, p.Arg974Gln (NM_001308046.2, NM_001382271.1); c.2870G>A, p.Arg957Gln (NM_001382274.1, NM_001387716.1, NM_001387717.1 and 1 more transcripts); c.2966G>A, p.Arg989Gln (NM_001382275.1, NM_001387707.1); c.2825G>A, p.Arg942Gln (NM_001386164.1, NM_001387709.1, NM_001387710.1 and 8 more transcripts); c.2897G>A, p.Arg966Gln (NM_001387708.1, NM_001387715.1); short protein forms R942Q, R981Q, R989Q, R957Q, R966Q, R974Q.
Identifiers: ClinVar variation 2155706 (VCV002155706.4), dbSNP rs1264701555, ClinGen allele CA355563228.
Genomic context (GRCh38, chr3:195,867,428, plus strand): 5'-ATCTTGTCTGCTGGCCGGCCCGCCTCTGGCCCATCGCCAGGGCAGCCCCTCTGTGGCAGC[C>T]GAGCAGTGGCCCTCGGGGGTGGTGGCCGGGCCCCTGGGTTGCTGTTGTTGGTGGAGAAGT-3'
Protein context (NP_001369202.1, residues 947-967): ARPPPPRATA[Arg957Gln]LPQRGCPGDG